The following is an entry in ClinVar:

NM_001083614.2(EARS2):c.1231T>G (p.Cys411Gly)

Gene: EARS2 (glutamyl-tRNA synthetase 2, mitochondrial; minus strand). Cytogenetic location: 16p12.2.
Variant type: single nucleotide variant.
Coding change: c.1231T>G on transcript NM_001083614.2 (MANE Select); coding-DNA position 1231, T replaced by G.
Protein change: p.Cys411Gly; replaces cysteine 411 with glycine.
Molecular consequence: missense variant. On other transcripts: non-coding transcript variant (1).
Genome position (GRCh38, 1-based): chr16:23,529,623, A>C on the plus strand (T>G on the coding strand, the complement: EARS2 is on the minus strand). VCF-style: chr16-23529623-A-C. GRCh37 (hg19) VCF-style: chr16-23540944-A-C.
Other names: c.1231T>G, p.Cys411Gly (NM_001308211.1); short protein forms C411G.
Identifiers: ClinVar variation 1470829 (VCV001470829.6), dbSNP rs568925129, ClinGen allele CA7962374.

ClinVar aggregate classification (germline): Uncertain significance (1 of 4 stars; one submission).

Allele frequency attached by ClinVar (database versions not stated): gnomAD exomes below 0.00001 and 0.00001; TOPMed below 0.00001; gnomAD 0.00001; ExAC 0.00002; 1000 Genomes Project 30x 0.00016; 1000 Genomes Project 0.00020.
gnomAD v4.1: 7 of 1,614,096 alleles (0.00043%); highest among the groups gnomAD compares: East Asian, 0.0089%; no homozygotes.

Submission:

Labcorp Genetics (formerly Invitae), Labcorp
Classification: Uncertain significance. Last evaluated: 2021-11-30. Review status: criteria provided, single submitter. Criteria: Invitae Variant Classification Sherloc (09022015). Collection method: clinical testing. Allele origin: germline.
Comment: In summary, the available evidence is currently insufficient to determine the role of this variant in disease. Therefore, it has been classified as a Variant of Uncertain Significance. Advanced modeling of protein sequence and biophysical properties (such as structural, functional, and spatial information, amino acid conservation, physicochemical variation, residue mobility, and thermodynamic stability) performed at Invitae indicates that this missense variant is not expected to disrupt EARS2 protein function. This variant has not been reported in the literature in individuals affected with EARS2-related conditions. This variant is present in population databases (rs568925129, gnomAD 0.02%). This sequence change replaces cysteine, which is neutral and slightly polar, with glycine, which is neutral and non-polar, at codon 411 of the EARS2 protein (p.Cys411Gly).